The following is an entry in ClinVar:

ClinVar aggregate classification (germline): Pathogenic. Review status: criteria provided, single submitter (1 of 4 stars). 2 submissions from 2 submitters: Pathogenic (1). 1 of the submissions does not count toward it. Last evaluated 2024-10-09.

Conditions:
Hereditary cancer-predisposing syndrome. Also called: Hereditary Cancer Syndrome; Hereditary neoplastic syndrome; Tumor predisposition; Neoplastic Syndromes, Hereditary. Identifiers: Orphanet 140162, MedGen C0027672, MeSH D009386, MONDO:0015356.
Pheochromocytoma. Also called: MAX-Related Hereditary Paraganglioma-Pheochromocytoma Syndrome. Identifiers: Orphanet 29072, MedGen C0031511, MONDO:0008233, OMIM 171300, HP:0002666.

Submissions (2):

Ambry Genetics
Classification: Pathogenic for Hereditary cancer-predisposing syndrome. Last evaluated: 2024-10-09. Review status: criteria provided, single submitter. Criteria: Ambry Variant Classification Scheme 2023. Collection method: clinical testing. Allele origin: germline.
Comment: The c.230delC pathogenic mutation, located in coding exon 1 of the TMEM127 gene, results from a deletion of one nucleotide at nucleotide position 230, causing a translational frameshift with a predicted alternate stop codon (p.P77Rfs*4). This variant is considered to be rare based on population cohorts in the Genome Aggregation Database (gnomAD). This alteration is expected to result in loss of function by premature protein truncation or nonsense-mediated mRNA decay. As such, this alteration is interpreted as a disease-causing mutation.

deCODE genetics, Amgen
Classification: Likely pathogenic for Pheochromocytoma. Last evaluated: 2023-07-21. Review status: no assertion criteria provided. Collection method: research. Allele origin: germline. Affected: yes. Observed: 1 variant allele. Not counted in ClinVar's aggregate classification.
Comment: The variant NM_017849.4:c.230del (chr2:96265151) in TMEM127 was detected in 1 heterozygote out of 58K WGS Icelanders (MAF= 0,001%). This variant has not been reported in ClinVar previously. Based on ACMG criteria (PVS1, PM2) this variant classifies as likely pathogenic.

NM_017849.4(TMEM127):c.230del (p.Pro77fs)

Gene: TMEM127 (transmembrane protein 127; minus strand). Cytogenetic location: 2q11.2.
Variant type: Deletion.
Coding change: c.230del on transcript NM_017849.4 (MANE Select); coding-DNA position 230, one base deleted (C; older notation c.230delC).
Protein change: p.Pro77fs; shifts the reading frame from proline 77.
Molecular consequence: frameshift variant.
Genome position (GRCh38, 1-based): chr2:96,265,152, G deleted on the plus strand (C on the coding strand, the reverse complement: TMEM127 is on the minus strand); the first of 3 consecutive G bases (chr2:96,265,152-96,265,154); deleting any one gives the same sequence. VCF-style (leftmost placement, unchanged base first): chr2-96265151-CG-C. GRCh37 (hg19) VCF-style: chr2-96930889-CG-C.
Other names: c.230delC (NM_017849.3); c.230del, p.Pro77fs (NM_001193304.3); short protein forms P77fs.
Identifiers: ClinVar variation 1789413 (VCV001789413.19), dbSNP rs1558756489, ClinGen allele CA534634973.